The following is an entry in ClinVar:

NM_183065.4(TMEM107):c.32G>A (p.Arg11His)

Genes: TMEM107 (transmembrane protein 107; minus strand), LOC105371520 (uncharacterized LOC105371520; plus strand). Cytogenetic location: 17p13.1.
Variant type: single nucleotide variant.
Coding change: c.32G>A on transcript NM_183065.4 (MANE Select); coding-DNA position 32, G replaced by A.
Protein change: p.Arg11His; replaces arginine 11 with histidine.
Molecular consequence: missense variant. On other transcripts: non-coding transcript variant (1).
Genome position (GRCh38, 1-based): chr17:8,176,255, C>T on the plus strand (G>A on the coding strand, the complement: TMEM107 is on the minus strand). VCF-style: chr17-8176255-C-T. GRCh37 (hg19) VCF-style: chr17-8079573-C-T.
Other names: c.32G>A, p.Arg11His (NM_001351280.2, NM_032354.5, NM_001351278.2 and 1 more transcripts); short protein forms R11H.
Identifiers: ClinVar variation 5021029 (VCV005021029.1).

ClinVar aggregate classification (germline): Uncertain significance (1 of 4 stars; one submission).

gnomAD v4.1: 4 of 1,614,070 alleles (0.00025%); highest among the groups gnomAD compares: Non-Finnish European, 0.00034%; no homozygotes.

Submission:

Dasa
Classification: Uncertain significance. Last evaluated: 2024-12-18. Review status: criteria provided, single submitter. Criteria: DASA Assertion Criteria. Collection method: clinical testing. Allele origin: germline.
Comment: NM_183065.4(TMEM107):c.32G>A (p.Arg11His) is a missense variant that results in the substitution of arginine with histidine. This variant is rare in population databases. Computational prediction algorithms are consistent with a deleterious effect. The currently available literature and clinical evidence are not sufficient to establish a definitive association between this variant and the reported condition. Therefore, this variant is classified as a variant of uncertain significance.